The following is an entry in ClinVar:

NM_021942.6(TRAPPC11):c.515T>C (p.Leu172Ser)

Gene: TRAPPC11 (trafficking protein particle complex subunit 11; plus strand). Cytogenetic location: 4q35.1.
Variant type: single nucleotide variant.
Coding change: c.515T>C on transcript NM_021942.6 (MANE Select); coding-DNA position 515, T replaced by C.
Protein change: p.Leu172Ser; replaces leucine 172 with serine.
Molecular consequence: missense variant.
Genome position (GRCh38, 1-based): chr4:183,668,072, T>C. VCF-style: chr4-183668072-T-C. GRCh37 (hg19) VCF-style: chr4-184589225-T-C.
Other names: c.515T>C, p.Leu172Ser (NM_199053.3); short protein forms L172S.
Identifiers: ClinVar variation 4071601 (VCV004071601.2).
Genomic context (GRCh38, chr4:183,668,072, plus strand): 5'-TCATTGCTTCAGAAAGGGCTGCAGCTTTATGCAATGCATGTGAACTCTCAGGAAAGTCTT[T>C]GTTTGTACTGCCGCACACTGACCACCTTGTGGGTTATATTATAAGGTAAGTAGAGGTCTT-3'
Protein context (NP_068761.4, residues 162-182): CNACELSGKS[Leu172Ser]FVLPHTDHLV

ClinVar aggregate classification (germline): Likely pathogenic (1 of 4 stars; one submission).

gnomAD v4.1: 1 of 1,613,784 alleles (0.000062%); highest among the groups gnomAD compares: East Asian, 0.0022%; no homozygotes.

Submission:

GeneDx
Classification: Likely pathogenic. Last evaluated: 2025-12-10. Review status: criteria provided, single submitter. Criteria: GeneDx Variant Classification Process June 2021. Collection method: clinical testing. Allele origin: germline.
Comment: Not observed at significant frequency in large population cohorts (gnomAD); In silico analysis supports that this missense variant has a deleterious effect on protein structure/function; Has not been previously published as pathogenic or benign to our knowledge